The following is an entry in ClinVar:

NM_001040108.2(MLH3):c.3263A>G (p.Asp1088Gly)

Gene: MLH3 (mutL homolog 3; minus strand). Cytogenetic location: 14q24.3.
Variant type: single nucleotide variant.
Coding change: c.3263A>G on transcript NM_001040108.2 (MANE Select); coding-DNA position 3263, A replaced by G.
Protein change: p.Asp1088Gly; replaces aspartic acid 1088 with glycine.
Molecular consequence: missense variant.
Genome position (GRCh38, 1-based): chr14:75,046,393, T>C on the plus strand (A>G on the coding strand, the complement: MLH3 is on the minus strand). VCF-style: chr14-75046393-T-C. GRCh37 (hg19) VCF-style: chr14-75513096-T-C.
Other names: c.3263A>G, p.Asp1088Gly (NM_014381.3); short protein forms D1088G.
Identifiers: ClinVar variation 1729551 (VCV001729551.6), dbSNP rs1892220786, ClinGen allele CA390434169.

ClinVar aggregate classification (germline): Uncertain significance. Review status: criteria provided, multiple submitters, no conflicts (2 of 4 stars). 3 submissions from 3 submitters: Uncertain significance (3). Last evaluated 2024-05-30.

Conditions:
Colorectal cancer, hereditary nonpolyposis, type 7. Identifiers: Orphanet 144, MedGen C1858380, MONDO:0013725, OMIM 614385.
Endometrial carcinoma. Also called: Endometrial carcinoma, somatic. Identifiers: MedGen C0476089, MONDO:0002447, OMIM 608089, HP:0012114.
Colorectal cancer. Also called: Colorectal cancer, somatic; Malignant Colorectal Neoplasm. Identifiers: MedGen C0346629, MONDO:0005575, OMIM 114500.

gnomAD v4.1: 4 of 1,614,166 alleles (0.00025%); highest among the groups gnomAD compares: Middle Eastern, 0.033%; no homozygotes.

Submissions (3):

Fulgent Genetics
Classification: Uncertain significance for Colorectal cancer; Endometrial carcinoma; Colorectal cancer, hereditary nonpolyposis, type 7. Last evaluated: 2024-05-30. Review status: criteria provided, single submitter. Criteria: ACMG Guidelines, 2015. Collection method: clinical testing. Allele origin: germline.

Ambry Genetics
Classification: Uncertain significance. Last evaluated: 2024-05-25. Review status: criteria provided, single submitter. Criteria: Ambry Variant Classification Scheme 2023. Collection method: clinical testing. Allele origin: germline.
Comment: The p.D1088G variant (also known as c.3263A>G), located in coding exon 1 of the MLH3 gene, results from an A to G substitution at nucleotide position 3263. The aspartic acid at codon 1088 is replaced by glycine, an amino acid with similar properties. This amino acid position is conserved. In addition, the in silico prediction for this alteration is inconclusive. Since supporting evidence is limited at this time, the clinical significance of this alteration remains unclear.

Labcorp Genetics (formerly Invitae), Labcorp
Classification: Uncertain significance for Colorectal cancer, hereditary nonpolyposis, type 7. Last evaluated: 2024-03-21. Review status: criteria provided, single submitter. Criteria: Invitae Variant Classification Sherloc (09022015). Collection method: clinical testing. Allele origin: germline.
Comment: This sequence change replaces aspartic acid, which is acidic and polar, with glycine, which is neutral and non-polar, at codon 1088 of the MLH3 protein (p.Asp1088Gly). This variant is not present in population databases (gnomAD no frequency). This variant has not been reported in the literature in individuals affected with MLH3-related conditions. ClinVar contains an entry for this variant (Variation ID: 1729551). An algorithm developed to predict the effect of missense changes on protein structure and function (PolyPhen-2) suggests that this variant is likely to be tolerated. In summary, the available evidence is currently insufficient to determine the role of this variant in disease. Therefore, it has been classified as a Variant of Uncertain Significance.